The following is an entry in ClinVar:

ClinVar aggregate classification (germline): Uncertain significance (1 of 4 stars; one submission).

Conditions:
Spermatogenic failure 18. Identifiers: MedGen C4539783, MONDO:0054615, OMIM 617576.
Ciliary dyskinesia, primary, 37 (CILD37). Also called: CILIARY DYSKINESIA, PRIMARY, 37, WITH OR WITHOUT SITUS INVERSUS. Identifiers: MedGen C4539798, MONDO:0033204, OMIM 617577.

Allele frequency attached by ClinVar (database versions not stated): gnomAD 0.00001; gnomAD exomes 0.00001 and 0.00006; TOPMed 0.00002; ExAC 0.00007.
gnomAD v4.1: 19 of 1,612,522 alleles (0.0012%); highest among the groups gnomAD compares: East Asian, 0.029%; no homozygotes.

Submission:

Labcorp Genetics (formerly Invitae), Labcorp
Classification: Uncertain significance for Ciliary dyskinesia, primary, 37; Spermatogenic failure 18. Last evaluated: 2021-09-01. Review status: criteria provided, single submitter. Criteria: Invitae Variant Classification Sherloc (09022015). Collection method: clinical testing. Allele origin: germline.
Comment: This sequence change replaces cysteine with serine at codon 3109 of the DNAH1 protein (p.Cys3109Ser). The cysteine residue is moderately conserved and there is a moderate physicochemical difference between cysteine and serine. This variant is present in population databases (rs775151697, ExAC 0.1%). This variant has not been reported in the literature in individuals affected with DNAH1-related conditions. Algorithms developed to predict the effect of missense changes on protein structure and function are either unavailable or do not agree on the potential impact of this missense change (SIFT: "Deleterious"; PolyPhen-2: "Benign"; Align-GVGD: "Class C0"). In summary, the available evidence is currently insufficient to determine the role of this variant in disease. Therefore, it has been classified as a Variant of Uncertain Significance.

NM_015512.5(DNAH1):c.9326G>C (p.Cys3109Ser)

Gene: DNAH1 (dynein axonemal heavy chain 1; plus strand). Cytogenetic location: 3p21.1.
Variant type: single nucleotide variant.
Coding change: c.9326G>C on transcript NM_015512.5 (MANE Select); coding-DNA position 9326, G replaced by C.
Protein change: p.Cys3109Ser; replaces cysteine 3109 with serine.
Molecular consequence: missense variant.
Genome position (GRCh38, 1-based): chr3:52,388,572, G>C. VCF-style: chr3-52388572-G-C. GRCh37 (hg19) VCF-style: chr3-52422588-G-C.
Other names: short protein forms C3109S.
Identifiers: ClinVar variation 570072 (VCV000570072.3), dbSNP rs775151697, ClinGen allele CA2435448.